The following is an entry in ClinVar:

ClinVar aggregate classification (germline): not provided (0 of 4 stars; one submission).

Allele frequency attached by ClinVar (database versions not stated): gnomAD exomes below 0.00001 and 0.00001.
gnomAD v4.1: 2 of 1,612,360 alleles (0.00012%); highest among the groups gnomAD compares: East Asian, 0.0045%; no homozygotes.

Submission:

ITMI
No classification provided. Condition: AllHighlyPenetrant. Last evaluated: 2013-09-19. Review status: no classification provided. Collection method: reference population. Allele origin: germline.
Comment: Please see associated publication for description of ethnicities

Literature cited by the submitters: PubMed 24728327.

NM_001077706.3(ECT2L):c.1070-1G>C

Gene: ECT2L (epithelial cell transforming 2 like; plus strand). Cytogenetic location: 6q24.1.
Variant type: single nucleotide variant.
Coding change: c.1070-1G>C on transcript NM_001077706.3 (MANE Select); the canonical splice acceptor site of the intron before coding-DNA position 1070, G replaced by C.
Molecular consequence: splice acceptor variant.
Genome position (GRCh38, 1-based): chr6:138,854,025, G>C. VCF-style: chr6-138854025-G-C. GRCh37 (hg19) VCF-style: chr6-139175162-G-C.
Other names: c.1070-1G>C (NM_001195037.2).
Identifiers: ClinVar variation 135514 (VCV000135514.1), dbSNP rs587777937, ClinGen allele CA162969.